The following is an entry in ClinVar:

NM_130839.5(UBE3A):c.732_735del (p.Ser245fs)

Genes: SNHG14 (small nucleolar RNA host gene 14; plus strand), UBE3A (ubiquitin protein ligase E3A; minus strand). Cytogenetic location: 15q11.2.
Variant type: Microsatellite.
Coding change: c.732_735del on transcript NM_130839.5 (MANE Select); coding-DNA positions 732 to 735, 4 bases deleted (CTCT; older notation c.732_735delCTCT).
Protein change: p.Ser245fs; shifts the reading frame from serine 245.
Molecular consequence: frameshift variant. On other transcripts: non-coding transcript variant (1), intron variant (2).
Genome position (GRCh38, 1-based): chr15:25,371,439-25,371,442, AGAG deleted on the plus strand (CTCT on the coding strand, the reverse complement: UBE3A is on the minus strand); deleting any 4 consecutive bases within chr15:25,371,439-25,371,444 gives the same sequence; the c. name uses the placement nearest the transcript's 3' end. VCF-style (leftmost placement, unchanged base first): chr15-25371438-TAGAG-T. GRCh37 (hg19) VCF-style: chr15-25616585-TAGAG-T.
Other names: c.741_744del, p.Ser248fs (NM_000462.5); c.732_735del, p.Ser245fs (NM_001354505.1, NM_001354538.2, NM_001354545.2); c.672_675del, p.Ser225fs (NM_001354506.2, NM_001354507.2, NM_001354508.2 and 17 more transcripts); c.555_558del, p.Ser186fs (NM_001354546.2); c.301+4023_301+4026del (NM_001354551.2); c.361+4023_361+4026del (NM_001354550.2); short protein forms S186fs, S225fs, S245fs, S248fs.
Identifiers: ClinVar variation 1690585 (VCV001690585.2), dbSNP rs2152822637, ClinGen allele CA2580613782.

ClinVar aggregate classification (germline): Likely pathogenic (1 of 4 stars; one submission).

Submission:

Laboratorio de Genetica e Diagnostico Molecular, Hospital Israelita Albert Einstein
Classification: Likely pathogenic. Last evaluated: 2022-03-04. Review status: criteria provided, single submitter. Criteria: ACMG Guidelines, 2015. Collection method: clinical testing. Allele origin: germline. Affected: yes.
Comment: ACMG classification criteria: PVS1, PM2